The following is an entry in ClinVar:

NM_004656.4(BAP1):c.*3A>G

Gene: BAP1 (BRCA1 associated deubiquitinase 1; minus strand). Cytogenetic location: 3p21.1.
Variant type: single nucleotide variant.
Coding change: c.*3A>G on transcript NM_004656.4 (MANE Select); 3 bases downstream of the stop codon, A replaced by G.
Molecular consequence: 3 prime UTR variant.
Genome position (GRCh38, 1-based): chr3:52,402,285, T>C on the plus strand (A>G on the coding strand, the complement: BAP1 is on the minus strand). VCF-style: chr3-52402285-T-C. GRCh37 (hg19) VCF-style: chr3-52436301-T-C.
Identifiers: ClinVar variation 1331980 (VCV001331980.4), dbSNP rs748022925, ClinGen allele CA2436577.

ClinVar aggregate classification (germline): Conflicting classifications of pathogenicity. Review status: criteria provided, conflicting classifications (1 of 4 stars). 3 submissions from 3 submitters: Uncertain significance (1); Benign (1); Likely benign (1). Last evaluated 2025-06-23.

Conditions:
BAP1-related tumor predisposition syndrome (TPDS1). Also called: Tumor susceptibility linked to germline BAP1 mutations; BAP1 tumor predisposition syndrome; COMMON Syndrome; TUMOR PREDISPOSITION SYNDROME 1. Identifiers: Orphanet 289539, MedGen C3280492, MONDO:0013692, OMIM 614327.
Hereditary cancer-predisposing syndrome. Also called: Tumor predisposition; Hereditary Cancer Syndrome; Neoplastic Syndromes, Hereditary; Hereditary neoplastic syndrome. Identifiers: Orphanet 140162, MedGen C0027672, MeSH D009386, MONDO:0015356.

Allele frequency attached by ClinVar (database versions not stated): gnomAD exomes below 0.00001; TOPMed below 0.00001; ExAC 0.00002.
gnomAD v4.1: 1 of 1,601,340 alleles (0.000062%); highest among the groups gnomAD compares: Non-Finnish European, 0.000085%; no homozygotes.

Submissions (3):

Quest Diagnostics Nichols Institute San Juan Capistrano
Classification: Uncertain significance. Last evaluated: 2025-06-23. Review status: criteria provided, single submitter. Criteria: Quest Diagnostics criteria. Collection method: clinical testing. Allele origin: unknown.
Comment: The BAP1 c.*3A>G variant has not been reported in individuals with BAP1-related conditions in the published literature. It also has not been reported in large, multi-ethnic general populations (Genome Aggregation Database). Analysis of this variant using software algorithms for the prediction of the effect of nucleotide changes on splicing yielded predictions that this variant does not affect BAP1 mRNA splicing. Based on the available information, we are unable to determine the clinical significance of this variant.

Myriad Genetics, Inc.
Classification: Benign for BAP1-related tumor predisposition syndrome. Last evaluated: 2024-09-25. Review status: criteria provided, single submitter. Criteria: Myriad Autosomal Dominant, Autosomal Recessive and X-Linked Classification Criteria (2023). Collection method: clinical testing. Allele origin: unknown.
Comment: This variant is considered benign. This variant occurs in the non-coding 3' untranslated region of the gene, and is not expected to impact protein function.

Color Diagnostics, LLC DBA Color Health
Classification: Likely benign for Hereditary cancer-predisposing syndrome. Last evaluated: 2021-07-26. Review status: criteria provided, single submitter. Criteria: ACMG Guidelines, 2015. Collection method: clinical testing. Allele origin: germline.